The following is an entry in ClinVar:

NM_000883.4(IMPDH1):c.786+3A>G

Gene: IMPDH1 (inosine monophosphate dehydrogenase 1; minus strand). Cytogenetic location: 7q32.1.
Variant type: single nucleotide variant.
Coding change: c.786+3A>G on transcript NM_000883.4 (MANE Select); 3 bases into the intron after coding-DNA position 786, A replaced by G.
Molecular consequence: intron variant.
Genome position (GRCh38, 1-based): chr7:128,400,330, T>C on the plus strand (A>G on the coding strand, the complement: IMPDH1 is on the minus strand). VCF-style: chr7-128400330-T-C. GRCh37 (hg19) VCF-style: chr7-128040384-T-C.
Other names: c.579+3A>G (NM_001304521.2); c.678+3A>G (NM_183243.3); c.756+3A>G (NM_001102605.2); c.687+3A>G (NM_001142576.2); c.456+3A>G (NM_001142575.2); c.516+3A>G (NM_001142574.2); c.531+3A>G (NM_001142573.2); c.786+3A>G (NM_000883.3).
Identifiers: ClinVar variation 2162928 (VCV002162928.5), dbSNP rs780871437, ClinGen allele CA4471059.

ClinVar aggregate classification (germline): Uncertain significance. Review status: criteria provided, multiple submitters, no conflicts (2 of 4 stars). 2 submissions from 2 submitters: Uncertain significance (2). Last evaluated 2026-05-21.

Conditions:
IMPDH1-related disorder. Also called: IMPDH1-related condition; IMPDH1-related disorders.

Allele frequency attached by ClinVar (database versions not stated): ExAC 0.00001; gnomAD exomes 0.00001; gnomAD 0.00003; TOPMed 0.00003.
gnomAD v4.1: 14 of 1,613,144 alleles (0.00087%); highest among the groups gnomAD compares: African/African-American, 0.0093%; no homozygotes.

Submissions (2):

PreventionGenetics, part of Exact Sciences
Classification: Uncertain significance for IMPDH1-related condition. Last evaluated: 2026-05-21. Review status: criteria provided, single submitter. Criteria: ACMG Guidelines, 2015. Collection method: clinical testing. Allele origin: germline.
Comment: The IMPDH1 c.786+3A>G variant is predicted to interfere with splicing. This variant is predicted to impair splicing based on one available splicing prediction algorithm (SpliceAI, Jaganathan et al. 2019. PubMed ID: 30661751). To our knowledge, this variant has not been reported in the literature. This variant is present in 0.0062% of alleles in individuals of African descent in gnomAD. At this time, the clinical significance of this variant is uncertain due to the absence of conclusive functional and genetic evidence.

Labcorp Genetics (formerly Invitae), Labcorp
Classification: Uncertain significance. Last evaluated: 2023-10-10. Review status: criteria provided, single submitter. Criteria: Invitae Variant Classification Sherloc (09022015). Collection method: clinical testing. Allele origin: germline.
Comment: This sequence change falls in intron 8 of the IMPDH1 gene. It does not directly change the encoded amino acid sequence of the IMPDH1 protein. It affects a nucleotide within the consensus splice site. This variant is present in population databases (rs780871437, gnomAD 0.007%). This variant has not been reported in the literature in individuals affected with IMPDH1-related conditions. ClinVar contains an entry for this variant (Variation ID: 2162928). Variants that disrupt the consensus splice site are a relatively common cause of aberrant splicing (PMID: 17576681, 9536098). Algorithms developed to predict the effect of sequence changes on RNA splicing suggest that this variant may create or strengthen a splice site. In summary, the available evidence is currently insufficient to determine the role of this variant in disease. Therefore, it has been classified as a Variant of Uncertain Significance.

Literature cited by the submitters: PubMed 17576681 (cited by Labcorp Genetics (formerly Invitae), Labcorp); PubMed 9536098 (cited by Labcorp Genetics (formerly Invitae), Labcorp).